The following is an entry in ClinVar:

NM_001374736.1(DST):c.16945C>G (p.Leu5649Val)

Gene: DST (dystonin; minus strand). Cytogenetic location: 6p12.1.
Variant type: single nucleotide variant.
Coding change: c.16945C>G on transcript NM_001374736.1 (MANE Select); coding-DNA position 16945, C replaced by G.
Protein change: p.Leu5649Val; replaces leucine 5649 with valine.
Molecular consequence: missense variant.
Genome position (GRCh38, 1-based): chr6:56,532,507, G>C on the plus strand (C>G on the coding strand, the complement: DST is on the minus strand). VCF-style: chr6-56532507-G-C. GRCh37 (hg19) VCF-style: chr6-56397305-G-C.
Other names: c.10588C>G, p.Leu3530Val (NM_001144769.5); c.10174C>G, p.Leu3392Val (NM_001144770.2); c.16945C>G, p.Leu5649Val (NM_001374722.1); c.16312C>G, p.Leu5438Val (NM_001374729.1); c.10054C>G, p.Leu3352Val (NM_001374730.1, NM_001386100.1, NM_183380.4); c.16972C>G, p.Leu5658Val (NM_001374734.1); c.9076C>G, p.Leu3026Val (NM_015548.5); short protein forms L5438V, L5649V, L3026V, L3352V, L3530V, L3392V, L5658V.
Identifiers: ClinVar variation 1779078 (VCV001779078.2), dbSNP rs773426256, ClinGen allele CA3867556.

ClinVar aggregate classification (germline): Uncertain significance (1 of 4 stars; one submission).

Conditions:
Inborn genetic diseases. Identifiers: MedGen C0950123, MeSH D030342.

Allele frequency attached by ClinVar (database versions not stated): TOPMed below 0.00001; gnomAD 0.00001; gnomAD exomes 0.00001.
gnomAD v4.1: 11 of 1,587,776 alleles (0.00069%); highest among the groups gnomAD compares: South Asian, 0.0012%; no homozygotes.

Submission:

Ambry Genetics
Classification: Uncertain significance for Inborn genetic diseases. Last evaluated: 2022-02-18. Review status: criteria provided, single submitter. Criteria: Ambry Variant Classification Scheme 2023. Collection method: clinical testing. Allele origin: germline.
Comment: The p.L3530V variant (also known as c.10588C>G), located in coding exon 58 of the DST gene, results from a C to G substitution at nucleotide position 10588. The leucine at codon 3530 is replaced by valine, an amino acid with highly similar properties. This amino acid position is highly conserved in available vertebrate species. In addition, this alteration is predicted to be tolerated by in silico analysis. Since supporting evidence is limited at this time, the clinical significance of this alteration remains unclear.